The following is an entry in ClinVar:

NM_006662.3(SRCAP):c.7055A>T (p.Glu2352Val)

Gene: SRCAP (Snf2 related CREBBP activator protein; plus strand). Cytogenetic location: 16p11.2.
Variant type: single nucleotide variant.
Coding change: c.7055A>T on transcript NM_006662.3 (MANE Select); coding-DNA position 7055, A replaced by T.
Protein change: p.Glu2352Val; replaces glutamic acid 2352 with valine.
Molecular consequence: missense variant.
Genome position (GRCh38, 1-based): chr16:30,737,095, A>T. VCF-style: chr16-30737095-A-T. GRCh37 (hg19) VCF-style: chr16-30748416-A-T.
Other names: short protein forms E2352V.
Identifiers: ClinVar variation 3373133 (VCV003373133.1).

ClinVar aggregate classification (germline): Uncertain significance (1 of 4 stars; one submission).

Submission:

GeneDx
Classification: Uncertain significance. Last evaluated: 2024-04-30. Review status: criteria provided, single submitter. Criteria: GeneDx Variant Classification Process June 2021. Collection method: clinical testing. Allele origin: germline. Affected: yes.
Comment: Not observed at significant frequency in large population cohorts (gnomAD); In silico analysis supports that this missense variant has a deleterious effect on protein structure/function; Has not been previously published as pathogenic or benign to our knowledge